The following is an entry in ClinVar:

NM_000782.5(CYP24A1):c.1525A>G (p.Ile509Val)

Gene: CYP24A1 (cytochrome P450 family 24 subfamily A member 1; minus strand). Cytogenetic location: 20q13.2.
Variant type: single nucleotide variant.
Coding change: c.1525A>G on transcript NM_000782.5 (MANE Select); coding-DNA position 1525, A replaced by G.
Protein change: p.Ile509Val; replaces isoleucine 509 with valine.
Molecular consequence: missense variant.
Genome position (GRCh38, 1-based): chr20:54,157,199, T>C on the plus strand (A>G on the coding strand, the complement: CYP24A1 is on the minus strand). VCF-style: chr20-54157199-T-C. GRCh37 (hg19) VCF-style: chr20-52773738-T-C.
Other names: c.1327A>G, p.Ile443Val (NM_001128915.2); short protein forms I443V, I509V.
Identifiers: ClinVar variation 1803423 (VCV001803423.1), dbSNP rs765472830, ClinGen allele CA316201449.
Genomic context (GRCh38, chr20:54,157,199, plus strand): 5'-CAGAGGATAATGAACCGCCTAGATGCTCACCTGAGGCGTATTATCGCTGGCAAAACGCGA[T>C]GGGGAGTTCCCGGCTGGGCACCAGGGTGCCTGAGTGTAGCATCTCAACAGGCTCATTGTC-3'
Protein context (NP_000773.2, residues 499-514): GTLVPSRELP[Ile509Val]AFCQR

ClinVar aggregate classification (germline): Uncertain significance (1 of 4 stars; one submission).

Allele frequency attached by ClinVar (database versions not stated): TOPMed below 0.00001; gnomAD 0.00001; gnomAD exomes 0.00002.
gnomAD v4.1: 32 of 1,604,872 alleles (0.002%); highest among the groups gnomAD compares: Non-Finnish European, 0.0026%; no homozygotes.

Submission:

GeneDx
Classification: Uncertain significance. Last evaluated: 2022-06-07. Review status: criteria provided, single submitter. Criteria: GeneDx Variant Classification Process June 2021. Collection method: clinical testing. Allele origin: germline. Affected: yes.
Comment: Not observed at significant frequency in large population cohorts (gnomAD); In silico analysis supports that this missense variant does not alter protein structure/function; Has not been previously published as pathogenic or benign to our knowledge